The following is an entry in ClinVar:

NM_000368.5(TSC1):c.248C>T (p.Ala83Val)

Gene: TSC1 (TSC complex subunit 1; minus strand). Cytogenetic location: 9q34.13.
Variant type: single nucleotide variant.
Coding change: c.248C>T on transcript NM_000368.5 (MANE Select); coding-DNA position 248, C replaced by T.
Protein change: p.Ala83Val; replaces alanine 83 with valine.
Molecular consequence: missense variant. On other transcripts: 5 prime UTR variant (1), intron variant (1).
Genome position (GRCh38, 1-based): chr9:132,925,702, G>A on the plus strand (C>T on the coding strand, the complement: TSC1 is on the minus strand). VCF-style: chr9-132925702-G-A. GRCh37 (hg19) VCF-style: chr9-135801089-G-A.
Other names: c.248C>T, p.Ala83Val (NM_001162426.2); c.-116C>T (NM_001362177.2); c.210+1499C>T (NM_001162427.2); short protein forms A83V.
Identifiers: ClinVar variation 663072 (VCV000663072.8), dbSNP rs1588355749, ClinGen allele CA375374719.

ClinVar aggregate classification (germline): Uncertain significance. Review status: criteria provided, multiple submitters, no conflicts (2 of 4 stars). 3 submissions from 3 submitters: Uncertain significance (3). Last evaluated 2025-11-11.

Conditions:
Hereditary cancer-predisposing syndrome. Also called: Neoplastic Syndromes, Hereditary; Hereditary Cancer Syndrome; Tumor predisposition; Hereditary neoplastic syndrome. Identifiers: Orphanet 140162, MedGen C0027672, MeSH D009386, MONDO:0015356.
Tuberous sclerosis 1 (TSC1). Identifiers: Orphanet 805, MedGen C1854465, MONDO:0008612, OMIM 191100.

Submissions (3):

Ambry Genetics
Classification: Uncertain significance for Hereditary cancer-predisposing syndrome. Last evaluated: 2025-11-11. Review status: criteria provided, single submitter. Criteria: Ambry Variant Classification Scheme 2023. Collection method: clinical testing. Allele origin: germline.
Comment: The p.A83V variant (also known as c.248C>T), located in coding exon 3 of the TSC1 gene, results from a C to T substitution at nucleotide position 248. The alanine at codon 83 is replaced by valine, an amino acid with similar properties. This amino acid position is conserved. In addition, the in silico prediction for this alteration is inconclusive. Based on the available evidence, the clinical significance of this variant remains unclear.

Blueprint Genetics
Classification: Uncertain significance. Last evaluated: 2024-11-15. Review status: criteria provided, single submitter. Criteria: ACMG Guidelines, 2015. Collection method: clinical testing. Allele origin: germline.

Labcorp Genetics (formerly Invitae), Labcorp
Classification: Uncertain significance for Tuberous sclerosis 1. Last evaluated: 2024-02-15. Review status: criteria provided, single submitter. Criteria: Invitae Variant Classification Sherloc (09022015). Collection method: clinical testing. Allele origin: germline.
Comment: This sequence change replaces alanine, which is neutral and non-polar, with valine, which is neutral and non-polar, at codon 83 of the TSC1 protein (p.Ala83Val). This variant is not present in population databases (gnomAD no frequency). This variant has not been reported in the literature in individuals affected with TSC1-related conditions. ClinVar contains an entry for this variant (Variation ID: 663072). Advanced modeling of protein sequence and biophysical properties (such as structural, functional, and spatial information, amino acid conservation, physicochemical variation, residue mobility, and thermodynamic stability) performed at Invitae indicates that this missense variant is not expected to disrupt TSC1 protein function with a negative predictive value of 95%. In summary, the available evidence is currently insufficient to determine the role of this variant in disease. Therefore, it has been classified as a Variant of Uncertain Significance.